The following is an entry in ClinVar:

ClinVar aggregate classification (germline): Uncertain significance. Review status: criteria provided, multiple submitters, no conflicts (2 of 4 stars). 2 submissions from 2 submitters: Uncertain significance (2). Last evaluated 2022-08-07.

Conditions:
Inborn genetic diseases. Identifiers: MedGen C0950123, MeSH D030342.

Allele frequency attached by ClinVar (database versions not stated): gnomAD exomes below 0.00001.
gnomAD v4.1: 2 of 1,576,342 alleles (0.00013%); highest among the groups gnomAD compares: Non-Finnish European, 0.00017%; no homozygotes.

Submissions (2):

Labcorp Genetics (formerly Invitae), Labcorp
Classification: Uncertain significance. Last evaluated: 2022-08-07. Review status: criteria provided, single submitter. Criteria: Invitae Variant Classification Sherloc (09022015). Collection method: clinical testing. Allele origin: germline.
Comment: Algorithms developed to predict the effect of missense changes on protein structure and function are either unavailable or do not agree on the potential impact of this missense change (SIFT: "Deleterious"; PolyPhen-2: "Possibly Damaging"; Align-GVGD: "Class C15"). This variant has not been reported in the literature in individuals affected with DMXL2-related conditions. This variant is not present in population databases (gnomAD no frequency). This sequence change replaces arginine, which is basic and polar, with glycine, which is neutral and non-polar, at codon 124 of the DMXL2 protein (p.Arg124Gly). In summary, the available evidence is currently insufficient to determine the role of this variant in disease. Therefore, it has been classified as a Variant of Uncertain Significance.

Ambry Genetics
Classification: Uncertain significance for Inborn genetic diseases. Last evaluated: 2022-06-24. Review status: criteria provided, single submitter. Criteria: Ambry Variant Classification Scheme 2023. Collection method: clinical testing. Allele origin: germline.

NM_001378457.1(DMXL2):c.370A>G (p.Arg124Gly)

Gene: DMXL2 (Dmx like 2; minus strand). Cytogenetic location: 15q21.2.
Variant type: single nucleotide variant.
Coding change: c.370A>G on transcript NM_001378457.1 (MANE Select); coding-DNA position 370, A replaced by G.
Protein change: p.Arg124Gly; replaces arginine 124 with glycine.
Molecular consequence: missense variant. On other transcripts: non-coding transcript variant (2).
Genome position (GRCh38, 1-based): chr15:51,564,255, T>C on the plus strand (A>G on the coding strand, the complement: DMXL2 is on the minus strand). VCF-style: chr15-51564255-T-C. GRCh37 (hg19) VCF-style: chr15-51856452-T-C.
Other names: c.370A>G, p.Arg124Gly (NM_001174116.3, NM_001174117.3, NM_001378458.1 and 7 more transcripts); short protein forms R124G.
Identifiers: ClinVar variation 1905895 (VCV001905895.6), dbSNP rs2548703074, ClinGen allele CA392756624.
Genomic context (GRCh38, chr15:51,564,255, plus strand): 5'-CCAGAATATCATCTCCTGGAGGAGCCCACAACTGAATAGAATCAGTTGCTGTCAACAATC[T>C]ATTATCTGAAAATTAAAGAATGTTATGATGAATATGCAAATATTATATAGGGAAATAAAT-3'
Protein context (NP_001365386.1, residues 114-134): YNLAWDPQDN[Arg124Gly]LLTATDSIQL